The following is an entry in ClinVar:

ClinVar aggregate classification (germline): Benign/Likely benign. Review status: criteria provided, multiple submitters, no conflicts (2 of 4 stars). 8 submissions from 8 submitters: Benign (2); Likely benign (6). Last evaluated 2026-01-26.

Conditions:
Hereditary cancer-predisposing syndrome. Also called: Neoplastic Syndromes, Hereditary; Tumor predisposition; Hereditary Cancer Syndrome; Hereditary neoplastic syndrome. Identifiers: Orphanet 140162, MedGen C0027672, MeSH D009386, MONDO:0015356.
Tuberous sclerosis syndrome (TSC). Also called: Tuberous Sclerosis Complex; Tuberous sclerosis. Identifiers: Orphanet 805, MedGen C0041341, MONDO:0001734.
Tuberous sclerosis 2 (TSC2). Identifiers: Orphanet 805, MedGen C1860707, MONDO:0013199, OMIM 613254.

Allele frequency attached by ClinVar (database versions not stated): gnomAD 0.00001; gnomAD exomes 0.00001 and 0.00002; TOPMed 0.00003; ExAC 0.00005; ESP Exome Variant Server 0.00009.
gnomAD v4.1: 13 of 1,549,920 alleles (0.00084%); highest among the groups gnomAD compares: East Asian, 0.0049%; no homozygotes.

Submissions (8):

Labcorp Genetics (formerly Invitae), Labcorp
Classification: Likely benign for Tuberous sclerosis 2. Last evaluated: 2026-01-26. Review status: criteria provided, single submitter. Criteria: Invitae Variant Classification Sherloc (09022015). Collection method: clinical testing. Allele origin: germline.

Myriad Genetics, Inc.
Classification: Benign for Tuberous sclerosis 2. Last evaluated: 2024-09-05. Review status: criteria provided, single submitter. Criteria: Myriad Autosomal Dominant, Autosomal Recessive and X-Linked Classification Criteria (2023). Collection method: clinical testing. Allele origin: unknown.
Comment: This variant is considered benign. This variant is intronic and is not expected to impact mRNA splicing. This variant has been observed at a population frequency that is significantly greater than expected given the associated disease prevalence and penetrance.

All of Us Research Program, National Institutes of Health
Classification: Likely benign for Tuberous sclerosis syndrome. Last evaluated: 2024-05-14. Review status: criteria provided, single submitter. Criteria: ACMG Guidelines, 2015. Collection method: clinical testing. Allele origin: germline. Inheritance: Autosomal dominant inheritance. Observed: 1 variant allele, 1 heterozygote.
Comment: This study involves interpretation of variants in research participants for the purpose of population health screening. Participant phenotype was not available at the time of variant classification. Additional details can be found in publication PMID: 35346344, PMCID: PMC8962531

Blueprint Genetics
Classification: Likely benign. Last evaluated: 2023-07-13. Review status: criteria provided, single submitter. Criteria: ACMG Guidelines, 2015. Collection method: clinical testing. Allele origin: germline.

Color Diagnostics, LLC DBA Color Health
Classification: Likely benign for Tuberous sclerosis syndrome. Last evaluated: 2022-11-23. Review status: criteria provided, single submitter. Criteria: ACMG Guidelines, 2015. Collection method: clinical testing. Allele origin: germline.

Genome-Nilou Lab
Classification: Likely benign for Tuberous sclerosis 2. Last evaluated: 2021-11-07. Review status: criteria provided, single submitter. Criteria: ACMG Guidelines, 2015. Collection method: clinical testing. Allele origin: germline. Affected: no.

Ambry Genetics
Classification: Benign for Hereditary cancer-predisposing syndrome. Last evaluated: 2020-10-30. Review status: criteria provided, single submitter. Criteria: Ambry Variant Classification Scheme 2023. Collection method: clinical testing. Allele origin: germline.

GeneDx
Classification: Likely benign. Last evaluated: 2018-02-22. Review status: criteria provided, single submitter. Criteria: GeneDx Variant Classification (06012015). Collection method: clinical testing. Allele origin: germline. Affected: yes.
Comment: This variant is considered likely benign or benign based on one or more of the following criteria: it is a conservative change, it occurs at a poorly conserved position in the protein, it is predicted to be benign by multiple in silico algorithms, and/or has population frequency not consistent with disease.

NM_000548.5(TSC2):c.1362-5C>T

Gene: TSC2 (TSC complex subunit 2; plus strand). Cytogenetic location: 16p13.3.
Variant type: single nucleotide variant.
Coding change: c.1362-5C>T on transcript NM_000548.5 (MANE Select); 5 bases into the intron before coding-DNA position 1362, C replaced by T.
Molecular consequence: intron variant.
Genome position (GRCh38, 1-based): chr16:2,062,967, C>T. VCF-style: chr16-2062967-C-T. GRCh37 (hg19) VCF-style: chr16-2112968-C-T.
Other names: c.1362-5C>T (NM_001114382.3, NM_021055.3, NM_001370405.1 and 3 more transcripts); c.1251-5C>T (NM_001318827.2); c.762-5C>T (NM_001318831.2); c.1215-5C>T (NM_001318829.2); c.1395-5C>T (NM_001318832.2).
Identifiers: ClinVar variation 413673 (VCV000413673.21), dbSNP rs372424945, ClinGen allele CA029648.